The following is an entry in ClinVar:

NM_133433.4(NIPBL):c.4830T>G (p.Leu1610=)

Gene: NIPBL (NIPBL cohesin loading factor; plus strand). Cytogenetic location: 5p13.2.
Variant type: single nucleotide variant.
Coding change: c.4830T>G on transcript NM_133433.4 (MANE Select); coding-DNA position 4830, T replaced by G.
Protein change: p.Leu1610=; no amino-acid change (leucine 1610 retained).
Molecular consequence: synonymous variant.
Genome position (GRCh38, 1-based): chr5:37,017,072, T>G. VCF-style: chr5-37017072-T-G. GRCh37 (hg19) VCF-style: chr5-37017174-T-G.
Other names: c.4830T>G, p.Leu1610= (NM_015384.5); c.4830T>G (NM_133433.3).
Identifiers: ClinVar variation 2186676 (VCV002186676.5), dbSNP rs986105665, ClinGen allele CA117026331.

ClinVar aggregate classification (germline): Likely benign. Review status: criteria provided, multiple submitters, no conflicts (2 of 4 stars). 2 submissions from 2 submitters: Likely benign (2). Last evaluated 2025-07-02.

Conditions:
Cornelia de Lange syndrome 1 (CDLS1). Also called: TYPUS DEGENERATIVUS AMSTELODAMENSIS; NIPBL-Related Cornelia de Lange Syndrome; Brachmann de Lange syndrome. Identifiers: Orphanet 199, MedGen C4551851, MONDO:0007387, OMIM 122470.

Allele frequency attached by ClinVar (database versions not stated): gnomAD 0.00002; TOPMed 0.00002; gnomAD exomes 0.00003.
gnomAD v4.1: 43 of 1,612,360 alleles (0.0027%); highest among the groups gnomAD compares: Non-Finnish European, 0.0034%; no homozygotes.

Submissions (2):

Athena Diagnostics
Classification: Likely benign. Last evaluated: 2025-07-02. Review status: criteria provided, single submitter. Criteria: Athena Diagnostics Criteria. Collection method: clinical testing. Allele origin: unknown.
Comment: Computational tools yielded predictions that this variant is unlikely to have an effect on normal RNA splicing. This nucleotide position exhibits low evolutionary conservation. This variant has been seen where an alternate explanation for disease was also identified.

Labcorp Genetics (formerly Invitae), Labcorp
Classification: Likely benign for Cornelia de Lange syndrome 1. Last evaluated: 2022-06-26. Review status: criteria provided, single submitter. Criteria: Invitae Variant Classification Sherloc (09022015). Collection method: clinical testing. Allele origin: germline.